The following is an entry in ClinVar:

NM_022166.4(XYLT1):c.958T>C (p.Tyr320His)

Gene: XYLT1 (xylosyltransferase 1; minus strand). Cytogenetic location: 16p12.3.
Variant type: single nucleotide variant.
Coding change: c.958T>C on transcript NM_022166.4 (MANE Select); coding-DNA position 958, T replaced by C.
Protein change: p.Tyr320His; replaces tyrosine 320 with histidine.
Molecular consequence: missense variant.
Genome position (GRCh38, 1-based): chr16:17,200,610, A>G on the plus strand (T>C on the coding strand, the complement: XYLT1 is on the minus strand). VCF-style: chr16-17200610-A-G. GRCh37 (hg19) VCF-style: chr16-17294467-A-G.
Other names: short protein forms Y320H.
Identifiers: ClinVar variation 1903169 (VCV001903169.5), dbSNP rs1477385061, ClinGen allele CA394886791.

ClinVar aggregate classification (germline): Uncertain significance (1 of 4 stars; one submission).

Conditions:
Desbuquois dysplasia 1 (DBQD1). Also called: DESBUQUOIS DYSPLASIA 1, KIM VARIANT; MICROMELIC DWARFISM WITH VERTEBRAL AND METAPHYSEAL ABNORMALITIES AND ADVANCED CARPOTARSAL OSSIFICATION. Identifiers: Orphanet 1425, MedGen C4012146, MONDO:0009629, OMIM 251450.

Allele frequency attached by ClinVar (database versions not stated): gnomAD exomes below 0.00001; TOPMed 0.00002; gnomAD 0.00003.
gnomAD v4.1: 9 of 1,613,960 alleles (0.00056%); highest among the groups gnomAD compares: Non-Finnish European, 0.00076%; no homozygotes.

Submission:

Labcorp Genetics (formerly Invitae), Labcorp
Classification: Uncertain significance for Desbuquois dysplasia 1. Last evaluated: 2023-08-04. Review status: criteria provided, single submitter. Criteria: Invitae Variant Classification Sherloc (09022015). Collection method: clinical testing. Allele origin: germline.
Comment: In summary, the available evidence is currently insufficient to determine the role of this variant in disease. Therefore, it has been classified as a Variant of Uncertain Significance. Advanced modeling of protein sequence and biophysical properties (such as structural, functional, and spatial information, amino acid conservation, physicochemical variation, residue mobility, and thermodynamic stability) performed at Invitae indicates that this missense variant is not expected to disrupt XYLT1 protein function. ClinVar contains an entry for this variant (Variation ID: 1903169). This variant has not been reported in the literature in individuals affected with XYLT1-related conditions. This variant is present in population databases (no rsID available, gnomAD 0.01%). This sequence change replaces tyrosine, which is neutral and polar, with histidine, which is basic and polar, at codon 320 of the XYLT1 protein (p.Tyr320His).